The following is an entry in ClinVar:

NM_000138.5(FBN1):c.4176G>A (p.Lys1392=)

Gene: FBN1 (fibrillin 1; minus strand). Cytogenetic location: 15q21.1.
Variant type: single nucleotide variant.
Coding change: c.4176G>A on transcript NM_000138.5 (MANE Select); coding-DNA position 4176, G replaced by A.
Protein change: p.Lys1392=; no amino-acid change (lysine 1392 retained).
Molecular consequence: synonymous variant.
Genome position (GRCh38, 1-based): chr15:48,474,289, C>T on the plus strand (G>A on the coding strand, the complement: FBN1 is on the minus strand). VCF-style: chr15-48474289-C-T. GRCh37 (hg19) VCF-style: chr15-48766486-C-T.
Identifiers: ClinVar variation 924698 (VCV000924698.13), dbSNP rs141633998, ClinGen allele CA052142.
Genomic context (GRCh38, chr15:48,474,289, plus strand): 5'-CACAGTTGTTTCCAGCGTGAACATACCTGTACAAGTGAAGCCATCACCTGTGTATCCTTC[C>T]TTGCACAGACAGCGGTAAGATCCCATGGTATTCTTGCAGTCTGCATGCTGGCTGCACATA-3'
Protein context (NP_000129.3, residues 1382-1402): NTMGSYRCLC[Lys1392=]EGYTGDGFTC

ClinVar aggregate classification (germline): Benign/Likely benign. Review status: criteria provided, multiple submitters, no conflicts (2 of 4 stars). 6 submissions from 6 submitters: Benign (3); Likely benign (3). Last evaluated 2025-10-16.

Conditions:
Familial thoracic aortic aneurysm and aortic dissection (TAAD). Also called: Thoracic aortic aneurysms and dissections. Identifiers: Orphanet 91387, MedGen C4707243, MONDO:0019625.
Marfan syndrome (MFS). Also called: Marfan syndrome, classic; Marfan syndrome type 1; Marfan's syndrome; FBN1-Related Marfan Syndrome; MARFAN SYNDROME, TYPE I. Identifiers: Orphanet 284963, Orphanet 558, MedGen C0024796, MONDO:0007947, OMIM 154700.

Allele frequency attached by ClinVar (database versions not stated): 1000 Genomes Project 30x 0.00047; gnomAD exomes 0.00001 and 0.00005; gnomAD 0.00005 and 0.00004; 1000 Genomes Project 0.00060; TOPMed 0.00006; ExAC 0.00007.
gnomAD v4.1: 29 of 1,614,112 alleles (0.0018%); highest among the groups gnomAD compares: African/African-American, 0.032%; no homozygotes.

Submissions (6):

Labcorp Genetics (formerly Invitae), Labcorp
Classification: Benign for Marfan syndrome; Familial thoracic aortic aneurysm and aortic dissection. Last evaluated: 2025-10-16. Review status: criteria provided, single submitter. Criteria: Invitae Variant Classification Sherloc (09022015). Collection method: clinical testing. Allele origin: germline.

Women's Health and Genetics/Laboratory Corporation of America, LabCorp
Classification: Likely benign. Last evaluated: 2024-12-06. Review status: criteria provided, single submitter. Criteria: LabCorp Variant Classification Summary - May 2015. Collection method: clinical testing. Allele origin: germline.

All of Us Research Program, National Institutes of Health
Classification: Benign for Marfan syndrome. Last evaluated: 2024-05-30. Review status: criteria provided, single submitter. Criteria: ACMG Guidelines, 2015. Collection method: clinical testing. Allele origin: germline. Inheritance: Autosomal dominant inheritance. Observed: 7 variant alleles, 7 heterozygotes.
Comment: This study involves interpretation of variants in research participants for the purpose of population health screening. Participant phenotype was not available at the time of variant classification. Additional details can be found in publication PMID: 35346344, PMCID: PMC8962531

Blueprint Genetics
Classification: Likely benign. Last evaluated: 2022-07-06. Review status: criteria provided, single submitter. Criteria: ACMG Guidelines, 2015. Collection method: clinical testing. Allele origin: germline.

Color Diagnostics, LLC DBA Color Health
Classification: Benign for Familial thoracic aortic aneurysm and aortic dissection. Last evaluated: 2019-11-20. Review status: criteria provided, single submitter. Criteria: ACMG Guidelines, 2015. Collection method: clinical testing. Allele origin: germline.

Ambry Genetics
Classification: Likely benign for Familial thoracic aortic aneurysm and aortic dissection. Last evaluated: 2019-10-28. Review status: criteria provided, single submitter. Criteria: Ambry Variant Classification Scheme 2023. Collection method: clinical testing. Allele origin: germline.